The following is an entry in ClinVar:

ClinVar aggregate classification (germline): Uncertain significance (1 of 4 stars; one submission).

Conditions:
Hereditary cancer-predisposing syndrome. Also called: Neoplastic Syndromes, Hereditary; Hereditary Cancer Syndrome; Tumor predisposition; Hereditary neoplastic syndrome. Identifiers: Orphanet 140162, MedGen C0027672, MeSH D009386, MONDO:0015356.

Submission:

Ambry Genetics
Classification: Uncertain significance for Hereditary cancer-predisposing syndrome. Last evaluated: 2024-12-20. Review status: criteria provided, single submitter. Criteria: Ambry Variant Classification Scheme 2023. Collection method: clinical testing. Allele origin: germline.
Comment: The p.E1364K variant (also known as c.4090G>A), located in coding exon 28 of the SMARCA4 gene, results from a G to A substitution at nucleotide position 4090. The glutamic acid at codon 1364 is replaced by lysine, an amino acid with similar properties. This amino acid position is highly conserved in available vertebrate species. In addition, the in silico prediction for this alteration is inconclusive. Based on the available evidence, the clinical significance of this variant remains unclear.

NM_003072.5(SMARCA4):c.4090G>A (p.Glu1364Lys)

Gene: SMARCA4 (SWI/SNF related BAF chromatin remodeling complex subunit ATPase 4; plus strand). Cytogenetic location: 19p13.2.
Variant type: single nucleotide variant.
Coding change: c.4090G>A on transcript NM_003072.5 (MANE Select); coding-DNA position 4090, G replaced by A.
Protein change: p.Glu1364Lys; replaces glutamic acid 1364 with lysine.
Molecular consequence: missense variant. On other transcripts: non-coding transcript variant (1).
Genome position (GRCh38, 1-based): chr19:11,035,052, G>A. VCF-style: chr19-11035052-G-A. GRCh37 (hg19) VCF-style: chr19-11145728-G-A.
Other names: c.4090G>A, p.Glu1364Lys (NM_001128844.3, NM_001128849.3, NM_001387283.1); c.3991G>A, p.Glu1331Lys (NM_001128845.2, NM_001128846.2, NM_001128847.4 and 3 more transcripts); short protein forms E1364K, E1331K.
Identifiers: ClinVar variation 3798884 (VCV003798884.1).